The following is an entry in ClinVar:

NM_001267550.2(TTN):c.66452G>A (p.Arg22151Gln)

Genes: TTN (titin; minus strand), TTN-AS1 (TTN antisense RNA 1; plus strand). Cytogenetic location: 2q31.2.
Variant type: single nucleotide variant.
Coding change: c.66452G>A on transcript NM_001267550.2 (MANE Select); coding-DNA position 66452, G replaced by A.
Protein change: p.Arg22151Gln; replaces arginine 22151 with glutamine.
Molecular consequence: missense variant.
Genome position (GRCh38, 1-based): chr2:178,581,917, C>T on the plus strand (G>A on the coding strand, the complement: TTN is on the minus strand). VCF-style: chr2-178581917-C-T. GRCh37 (hg19) VCF-style: chr2-179446644-C-T.
Other names: c.61529G>A, p.Arg20510Gln (NM_001256850.1); c.39257G>A, p.Arg13086Gln (NM_003319.4); c.58748G>A, p.Arg19583Gln (NM_133378.4); c.39632G>A, p.Arg13211Gln (NM_133432.3); c.39833G>A, p.Arg13278Gln (NM_133437.4); short protein forms R22151Q, R20510Q, R13211Q, R19583Q, R13086Q, R13278Q.
Identifiers: ClinVar variation 535007 (VCV000535007.11), dbSNP rs781750042, ClinGen allele CA60959002.
Genomic context (GRCh38, chr2:178,581,917, plus strand): 5'-TTAATGCTGCTTTTAACACAGGATATGGAACTCGTTCATGAACACTTACACTGAGGGTCC[C>T]GAGCATAAGCGGCCTTGGATGCGTCACTGGGTTTGCCTGGTCCAGCTTTATTTATAGCTG-3'
Protein context (NP_001254479.2, residues 22141-22161): PSDASKAAYA[Arg22151Gln]DPQYPPGPPA

ClinVar aggregate classification (germline): Uncertain significance. Review status: criteria provided, multiple submitters, no conflicts (2 of 4 stars). 3 submissions from 3 submitters: Uncertain significance (2). 1 of the submissions does not count toward it. Last evaluated 2024-04-05.

Conditions:
TTN-related disorder. Also called: TTN-related disorders; TTN-related condition; TTN-related disease.
Autosomal recessive limb-girdle muscular dystrophy type 2J (LGMDR10). Also called: Limb-girdle muscular dystrophy, type 2J; MUSCULAR DYSTROPHY, LIMB-GIRDLE, AUTOSOMAL RECESSIVE 10. Identifiers: Orphanet 140922, MedGen C1837342, MONDO:0012127, OMIM 608807.
Dilated cardiomyopathy 1G (CMD1G). Identifiers: Orphanet 154, MedGen C1858763, MONDO:0011400, OMIM 604145.
Cardiomyopathy (CMYO). Also called: Cardiomyopathies. Identifiers: Orphanet 167848, MedGen C0878544, MONDO:0004994, HP:0001638. Inheritance: Various modes of inheritance.

Allele frequency attached by ClinVar (database versions not stated): TOPMed below 0.00001; gnomAD 0.00001.
gnomAD v4.1: 7 of 1,612,940 alleles (0.00043%); highest among the groups gnomAD compares: African/African-American, 0.0027%; no homozygotes.

Submissions (3):

Labcorp Genetics (formerly Invitae), Labcorp
Classification: Uncertain significance for Dilated cardiomyopathy 1G; Autosomal recessive limb-girdle muscular dystrophy type 2J. Last evaluated: 2024-04-05. Review status: criteria provided, single submitter. Criteria: Invitae Variant Classification Sherloc (09022015). Collection method: clinical testing. Allele origin: germline.
Comment: This sequence change replaces arginine, which is basic and polar, with glutamine, which is neutral and polar, at codon 22151 of the TTN protein (p.Arg22151Gln). This variant is present in population databases (no rsID available, gnomAD 0.0009%). This variant has not been reported in the literature in individuals affected with TTN-related conditions. ClinVar contains an entry for this variant (Variation ID: 535007). Algorithms developed to predict the effect of missense changes on protein structure and function output the following: SIFT: "Not Available"; PolyPhen-2: "Not Available"; Align-GVGD: "Not Available". The glutamine amino acid residue is found in multiple mammalian species, which suggests that this missense change does not adversely affect protein function. This variant is located in the A band of TTN (PMID: 25589632). Variants in this region may be relevant for cardiac or neuromuscular disorders (PMID: 25589632, 23975875). In summary, the available evidence is currently insufficient to determine the role of this variant in disease. Therefore, it has been classified as a Variant of Uncertain Significance.

CHEO Genetics Diagnostic Laboratory, Children's Hospital of Eastern Ontario
Classification: Uncertain significance for Cardiomyopathy. Last evaluated: 2015-12-18. Review status: criteria provided, single submitter. Criteria: ACMG Guidelines, 2015. Collection method: clinical testing. Allele origin: germline. Study: Canadian Open Genetics Repository.

PreventionGenetics, part of Exact Sciences
Classification: Uncertain significance for TTN-related condition. Last evaluated: 2024-01-12. Review status: no assertion criteria provided. Collection method: clinical testing. Allele origin: germline. Not counted in ClinVar's aggregate classification.
Comment: The TTN c.66452G>A variant is predicted to result in the amino acid substitution p.Arg22151Gln. To our knowledge, this variant has not been reported in the literature. This variant is reported in 0.00089% of alleles in individuals of European (Non-Finnish) descent in gnomAD. At this time, the clinical significance of this variant is uncertain due to the absence of conclusive functional and genetic evidence.

Literature cited by the submitters: PubMed 25589632 (cited by Labcorp Genetics (formerly Invitae), Labcorp); PubMed 23975875 (cited by Labcorp Genetics (formerly Invitae), Labcorp).